The following is an entry in ClinVar:

NM_001355436.2(SPTB):c.2881G>C (p.Val961Leu)

Gene: SPTB (spectrin beta, erythrocytic; minus strand). Cytogenetic location: 14q23.3.
Variant type: single nucleotide variant.
Coding change: c.2881G>C on transcript NM_001355436.2 (MANE Select); coding-DNA position 2881, G replaced by C.
Protein change: p.Val961Leu; replaces valine 961 with leucine.
Molecular consequence: missense variant.
Genome position (GRCh38, 1-based): chr14:64,787,084, C>G on the plus strand (G>C on the coding strand, the complement: SPTB is on the minus strand). VCF-style: chr14-64787084-C-G. GRCh37 (hg19) VCF-style: chr14-65253802-C-G.
Other names: c.2881G>C, p.Val961Leu (NM_001024858.4, NM_001355437.2); c.2881G>C (NM_001024858.2); short protein forms V961L.
Identifiers: ClinVar variation 1429100 (VCV001429100.5), dbSNP rs149316006, ClinGen allele CA7230745.
Genomic context (GRCh38, chr14:64,787,084, plus strand): 5'-TTGTGGACTCCACTACCTTTGTCTTGTCCGTGATCCACTTGCTGGTCTCCTCGCAATCTA[C>G]GCAGTAGTTGTGCACTCGGAGGGCTGAGTCCACAGCCTCCCGCCGCTCCGACACCAGGGT-3'
Protein context (NP_001342365.1, residues 951-971): DSALRVHNYC[Val961Leu]DCEETSKWIT

ClinVar aggregate classification (germline): Uncertain significance. Review status: criteria provided, multiple submitters, no conflicts (2 of 4 stars). 2 submissions from 2 submitters: Uncertain significance (2). Last evaluated 2023-03-15.

Conditions:
SPTB-related disorder. Also called: SPTB-related condition; SPTB-Related Disorders.

gnomAD v4.1: 32 of 1,612,860 alleles (0.002%); highest among the groups gnomAD compares: East Asian, 0.056%; no homozygotes.

Submissions (2):

PreventionGenetics, part of Exact Sciences
Classification: Uncertain significance for SPTB-related condition. Last evaluated: 2023-03-15. Review status: criteria provided, single submitter. Criteria: ACMG Guidelines, 2015. Collection method: clinical testing. Allele origin: germline.
Comment: The SPTB c.2881G>C variant is predicted to result in the amino acid substitution p.Val961Leu. To our knowledge, this variant has not been reported in the literature. This variant is reported in 0.054% of alleles in individuals of East Asian descent in gnomAD. Although we suspect that this variant may be benign, at this time, the clinical significance of this variant is uncertain due to the absence of conclusive functional and genetic evidence.

Labcorp Genetics (formerly Invitae), Labcorp
Classification: Uncertain significance. Last evaluated: 2021-08-11. Review status: criteria provided, single submitter. Criteria: Invitae Variant Classification Sherloc (09022015). Collection method: clinical testing. Allele origin: germline.
Comment: In summary, the available evidence is currently insufficient to determine the role of this variant in disease. Therefore, it has been classified as a Variant of Uncertain Significance. This sequence change replaces valine with leucine at codon 961 of the SPTB protein (p.Val961Leu). The valine residue is moderately conserved and there is a small physicochemical difference between valine and leucine. This variant is present in population databases (rs149316006, ExAC 0.06%). This variant has not been reported in the literature in individuals affected with SPTB-related conditions. Algorithms developed to predict the effect of missense changes on protein structure and function (SIFT, PolyPhen-2, Align-GVGD) all suggest that this variant is likely to be tolerated.